The following is an entry in ClinVar:

ClinVar aggregate classification (germline): Benign/Likely benign. Review status: criteria provided, multiple submitters, no conflicts (2 of 4 stars). 3 submissions from 3 submitters: Benign (1); Likely benign (2). Last evaluated 2026-01-01.

Conditions:
Inborn genetic diseases. Identifiers: MedGen C0950123, MeSH D030342.
Infantile myofibromatosis (IMF). Also called: Congenital generalized fibromatosis. Identifiers: Orphanet 2591, MedGen C0432284, MONDO:0016824.
Skeletal overgrowth-craniofacial dysmorphism-hyperelastic skin-white matter lesions syndrome. Also called: SKELETAL OVERGROWTH WITH FACIAL DYSMORPHISM, HYPERELASTIC SKIN, WHITE MATTER LESIONS, AND NEUROLOGIC DETERIORATION; Kosaki overgrowth syndrome. Identifiers: Orphanet 477831, MedGen C4225270, MONDO:0014704, OMIM 616592.
Acroosteolysis-keloid-like lesions-premature aging syndrome. Also called: Premature aging syndrome, Penttinen type; Prematurely aged appearance, delayed bone maturation, acro-osteolysis, and brachydactyly; Progeroid syndrome, Penttinen type. Identifiers: Orphanet 363665, MedGen C1866182, MONDO:0011150, OMIM 601812.
Basal ganglia calcification, idiopathic, 4 (PFBC4). Also called: Familial Idiopathic Basal Ganglia Calcification 4; PRIMARY FAMILIAL BRAIN CALCIFICATION 4, AUTOSOMAL DOMINANT. Identifiers: Orphanet 1980, MedGen C3554321, MONDO:0014004, OMIM 615007.

Allele frequency attached by ClinVar (database versions not stated): TOPMed 0.00008; gnomAD 0.00013; ExAC 0.00015; gnomAD exomes 0.00022.
gnomAD v4.1: 333 of 1,613,516 alleles (0.021%); highest among the groups gnomAD compares: South Asian, 0.097%; 1 homozygote.

Submissions (3):

CeGaT Center for Human Genetics Tuebingen
Classification: Likely benign. Last evaluated: 2026-01-01. Review status: criteria provided, single submitter. Criteria: CeGaT Center For Human Genetics Tuebingen Variant Classification Criteria Version 2. Collection method: clinical testing. Allele origin: germline. Affected: yes. Observed: 1 variant allele.
Comment: PDGFRB: BP4

Labcorp Genetics (formerly Invitae), Labcorp
Classification: Benign for Basal ganglia calcification, idiopathic, 4; Skeletal overgrowth-craniofacial dysmorphism-hyperelastic skin-white matter lesions syndrome; Infantile myofibromatosis; Acroosteolysis-keloid-like lesions-premature aging syndrome. Last evaluated: 2023-06-10. Review status: criteria provided, single submitter. Criteria: Invitae Variant Classification Sherloc (09022015). Collection method: clinical testing. Allele origin: germline.

Ambry Genetics
Classification: Likely benign for Inborn genetic diseases. Last evaluated: 2022-03-28. Review status: criteria provided, single submitter. Criteria: Ambry Variant Classification Scheme 2023. Collection method: clinical testing. Allele origin: germline.

NM_002609.4(PDGFRB):c.1553C>T (p.Thr518Met)

Gene: PDGFRB (platelet derived growth factor receptor beta; minus strand). Cytogenetic location: 5q32.
Variant type: single nucleotide variant.
Coding change: c.1553C>T on transcript NM_002609.4 (MANE Select); coding-DNA position 1553, C replaced by T.
Protein change: p.Thr518Met; replaces threonine 518 with methionine.
Molecular consequence: missense variant.
Genome position (GRCh38, 1-based): chr5:150,129,783, G>A on the plus strand (C>T on the coding strand, the complement: PDGFRB is on the minus strand). VCF-style: chr5-150129783-G-A. GRCh37 (hg19) VCF-style: chr5-149509346-G-A.
Other names: c.1361C>T, p.Thr454Met (NM_001355016.2); c.1070C>T, p.Thr357Met (NM_001355017.2); c.1553C>T (NM_002609.3); short protein forms T357M, T454M, T518M.
Identifiers: ClinVar variation 2951939 (VCV002951939.8), dbSNP rs753978428, ClinGen allele CA3507944.